The following is an entry in ClinVar:

NM_003873.7(NRP1):c.664C>T (p.Pro222Ser)

Gene: NRP1 (neuropilin 1; minus strand). Cytogenetic location: 10p11.22.
Variant type: single nucleotide variant.
Coding change: c.664C>T on transcript NM_003873.7 (MANE Select); coding-DNA position 664, C replaced by T.
Protein change: p.Pro222Ser; replaces proline 222 with serine.
Molecular consequence: missense variant. On other transcripts: non-coding transcript variant (1).
Genome position (GRCh38, 1-based): chr10:33,256,466, G>A on the plus strand (C>T on the coding strand, the complement: NRP1 is on the minus strand). VCF-style: chr10-33256466-G-A. GRCh37 (hg19) VCF-style: chr10-33545394-G-A.
Other names: c.664C>T, p.Pro222Ser (NM_001024628.3, NM_001024629.3, NM_001244972.2 and 2 more transcripts); short protein forms P222S.
Identifiers: ClinVar variation 2629577 (VCV002629577.2), dbSNP rs143227333, ClinGen allele CA205481616.

ClinVar aggregate classification (germline): Uncertain significance (1 of 4 stars; one submission).

Conditions:
NRP1-related disorder. Also called: NRP1-related condition.

Allele frequency attached by ClinVar (database versions not stated): ESP Exome Variant Server 0.00008.
gnomAD v4.1: 13 of 1,613,852 alleles (0.00081%); highest among the groups gnomAD compares: East Asian, 0.0022%; no homozygotes.

Submission:

PreventionGenetics, part of Exact Sciences
Classification: Uncertain significance for NRP1-related condition. Last evaluated: 2024-10-03. Review status: criteria provided, single submitter. Criteria: ACMG Guidelines, 2015. Collection method: clinical testing. Allele origin: germline.
Comment: The NRP1 c.664C>T variant is predicted to result in the amino acid substitution p.Pro222Ser. To our knowledge, this variant has not been reported in the literature. This variant is reported in 0.0029% of alleles in individuals of Latino descent in gnomAD. At this time, the clinical significance of this variant is uncertain due to the absence of conclusive functional and genetic evidence.